The following is an entry in ClinVar:

ClinVar aggregate classification (germline): Uncertain significance (1 of 4 stars; one submission).

gnomAD v4.1: 1 of 1,613,932 alleles (0.000062%); highest among the groups gnomAD compares: Non-Finnish European, 0.000085%; no homozygotes.

Submission:

GeneDx
Classification: Uncertain significance. Last evaluated: 2023-07-12. Review status: criteria provided, single submitter. Criteria: GeneDx Variant Classification Process June 2021. Collection method: clinical testing. Allele origin: germline. Affected: yes.
Comment: Not observed at significant frequency in large population cohorts (gnomAD); In silico analysis supports that this missense variant does not alter protein structure/function; Has not been previously published as pathogenic or benign to our knowledge

NM_006035.4(CDC42BPB):c.2618T>C (p.Met873Thr)

Gene: CDC42BPB (CDC42 binding protein kinase beta; minus strand). Cytogenetic location: 14q32.32.
Variant type: single nucleotide variant.
Coding change: c.2618T>C on transcript NM_006035.4 (MANE Select); coding-DNA position 2618, T replaced by C.
Protein change: p.Met873Thr; replaces methionine 873 with threonine.
Molecular consequence: missense variant.
Genome position (GRCh38, 1-based): chr14:102,964,610, A>G on the plus strand (T>C on the coding strand, the complement: CDC42BPB is on the minus strand). VCF-style: chr14-102964610-A-G. GRCh37 (hg19) VCF-style: chr14-103430947-A-G.
Other names: c.2618T>C, p.Met873Thr (NM_001411054.1); short protein forms M873T.
Identifiers: ClinVar variation 3360968 (VCV003360968.1).